The following is an entry in ClinVar:

NM_198428.3(BBS9):c.763C>T (p.Gln255Ter)

Gene: BBS9 (Bardet-Biedl syndrome 9; plus strand). Cytogenetic location: 7p14.3.
Variant type: single nucleotide variant.
Coding change: c.763C>T on transcript NM_198428.3 (MANE Select); coding-DNA position 763, C replaced by T.
Protein change: p.Gln255Ter; replaces glutamine 255 with a stop codon.
Molecular consequence: nonsense. On other transcripts: non-coding transcript variant (3).
Genome position (GRCh38, 1-based): chr7:33,273,072, C>T. VCF-style: chr7-33273072-C-T. GRCh37 (hg19) VCF-style: chr7-33312684-C-T.
Other names: c.763C>T, p.Gln255Ter (NM_001033604.2, NM_001033605.2, NM_001348036.1 and 7 more transcripts); c.397C>T, p.Gln133Ter (NM_001348037.3, NM_001348044.3, NM_001348045.3 and 1 more transcripts); c.490C>T, p.Gln164Ter (NM_001348038.3, NM_001348039.3); c.628C>T, p.Gln210Ter (NM_001348042.3); short protein forms Q133*, Q164*, Q210*, Q255*.
Identifiers: ClinVar variation 2093163 (VCV002093163.4), dbSNP rs1800104267, ClinGen allele CA367254147.

ClinVar aggregate classification (germline): Pathogenic (1 of 4 stars; one submission).

Conditions:
Bardet-Biedl syndrome (BBS). Identifiers: Orphanet 110, MedGen C0752166, MONDO:0015229.

gnomAD v4.1: 1 of 1,613,538 alleles (0.000062%); no homozygotes.

Submission:

Labcorp Genetics (formerly Invitae), Labcorp
Classification: Pathogenic for Bardet-Biedl syndrome. Last evaluated: 2022-02-04. Review status: criteria provided, single submitter. Criteria: Invitae Variant Classification Sherloc (09022015). Collection method: clinical testing. Allele origin: germline.
Comment: For these reasons, this variant has been classified as Pathogenic. This variant has not been reported in the literature in individuals affected with BBS9-related conditions. This variant is not present in population databases (gnomAD no frequency). This sequence change creates a premature translational stop signal (p.Gln255*) in the BBS9 gene. It is expected to result in an absent or disrupted protein product. Loss-of-function variants in BBS9 are known to be pathogenic (PMID: 16380913, 20177705).

Literature cited by the submitters: PubMed 16380913; PubMed 20177705.